The following is an entry in ClinVar:

ClinVar aggregate classification (germline): Uncertain significance (1 of 4 stars; one submission).

Conditions:
KIDINS220-related disorder. Also called: KIDINS220-related condition.

Submission:

PreventionGenetics, part of Exact Sciences
Classification: Uncertain significance for KIDINS220-related condition. Last evaluated: 2025-03-04. Review status: criteria provided, single submitter. Criteria: ACMG Guidelines, 2015. Collection method: clinical testing. Allele origin: germline.
Comment: The KIDINS220 c.5135T>G variant is predicted to result in the amino acid substitution p.Ile1712Ser. To our knowledge, this variant has not been reported in the literature or in a large population database, indicating this variant is rare. At this time, the clinical significance of this variant is uncertain due to the absence of conclusive functional and genetic evidence.

NM_020738.4(KIDINS220):c.5135T>G (p.Ile1712Ser)

Gene: KIDINS220 (kinase D interacting substrate 220; minus strand). Cytogenetic location: 2p25.1.
Variant type: single nucleotide variant.
Coding change: c.5135T>G on transcript NM_020738.4 (MANE Select); coding-DNA position 5135, T replaced by G.
Protein change: p.Ile1712Ser; replaces isoleucine 1712 with serine.
Molecular consequence: missense variant. On other transcripts: intron variant (6).
Genome position (GRCh38, 1-based): chr2:8,730,901, A>C on the plus strand (T>G on the coding strand, the complement: KIDINS220 is on the minus strand). VCF-style: chr2-8730901-A-C. GRCh37 (hg19) VCF-style: chr2-8871031-A-C.
Other names: c.5138T>G, p.Ile1713Ser (NM_001348729.2); c.5081T>G, p.Ile1694Ser (NM_001348731.2); c.5078T>G, p.Ile1693Ser (NM_001348732.2); c.4967T>G, p.Ile1656Ser (NM_001348734.2); c.4964T>G, p.Ile1655Ser (NM_001348735.2); c.4838T>G, p.Ile1613Ser (NM_001348736.2); c.3882+2543T>G (NM_001348741.2, NM_001348742.2, NM_001348743.2); c.3996+2543T>G (NM_001348738.2); and 1 more; short protein forms I1613S, I1712S, I1655S, I1656S, I1693S, I1694S, I1713S.
Identifiers: ClinVar variation 4987190 (VCV004987190.1).